The following is an entry in ClinVar:

ClinVar aggregate classification (germline): Uncertain significance (1 of 4 stars; one submission).

Submission:

Labcorp Genetics (formerly Invitae), Labcorp
Classification: Uncertain significance. Last evaluated: 2023-10-09. Review status: criteria provided, single submitter. Criteria: Invitae Variant Classification Sherloc (09022015). Collection method: clinical testing. Allele origin: germline.
Comment: This sequence change falls in intron 39 of the MYH3 gene. It does not directly change the encoded amino acid sequence of the MYH3 protein. This variant is not present in population databases (gnomAD no frequency). This variant has not been reported in the literature in individuals affected with MYH3-related conditions. Algorithms developed to predict the effect of sequence changes on RNA splicing suggest that this variant may disrupt the consensus splice site. In summary, the available evidence is currently insufficient to determine the role of this variant in disease. Therefore, it has been classified as a Variant of Uncertain Significance.

NM_002470.4(MYH3):c.5659-8G>A

Gene: MYH3 (myosin heavy chain 3; minus strand). Cytogenetic location: 17p13.1.
Variant type: single nucleotide variant.
Coding change: c.5659-8G>A on transcript NM_002470.4 (MANE Select); 8 bases into the intron before coding-DNA position 5659, G replaced by A.
Molecular consequence: intron variant.
Genome position (GRCh38, 1-based): chr17:10,629,742, C>T on the plus strand (G>A on the coding strand, the complement: MYH3 is on the minus strand). VCF-style: chr17-10629742-C-T. GRCh37 (hg19) VCF-style: chr17-10533059-C-T.
Identifiers: ClinVar variation 2767268 (VCV002767268.3), dbSNP rs1353914329, ClinGen allele CA2576172966.